The following is an entry in ClinVar:

NM_000083.3(CLCN1):c.2062_2063insTTC (p.Gly688delinsValArg)

Genes: CLCN1 (chloride voltage-gated channel 1; plus strand), LOC123956257 (Sharpr-MPRA regulatory region 4117; plus strand). Cytogenetic location: 7q34.
Variant type: Insertion.
Coding change: c.2062_2063insTTC on transcript NM_000083.3 (MANE Select); coding-DNA positions 2062 to 2063, TTC inserted.
Protein change: p.Gly688delinsValArg.
Molecular consequence: inframe indel. On other transcripts: non-coding transcript variant (1).
Genome position: GRCh38 VCF-style: chr7-143345652-G-GTTC. GRCh37 (hg19) VCF-style: chr7-143042745-G-GTTC.
Identifiers: ClinVar variation 422404 (VCV000422404.12), dbSNP rs770836890, ClinGen allele CA4537538.

ClinVar aggregate classification (germline): Conflicting classifications of pathogenicity. Review status: criteria provided, conflicting classifications (1 of 4 stars). 4 submissions from 4 submitters: Uncertain significance (3); Likely benign (1). Last evaluated 2025-12-21.

Conditions:
Congenital myotonia, autosomal recessive form. Also called: myotonia congenita, autosomal recessive; BECKER DISEASE; Becker Generalized Myotonia. Identifiers: Orphanet 614, MedGen C0751360, MONDO:0009715, OMIM 255700.
Congenital myotonia, autosomal dominant form (THD). Also called: THOMSEN DISEASE; Myotonia congenita autosomal dominant. Identifiers: Orphanet 614, MedGen C2936781, MONDO:0008055, OMIM 160800.

Allele frequency attached by ClinVar (database versions not stated): gnomAD exomes 0.00005 and 0.00015; gnomAD 0.00007 and 0.00009; TOPMed 0.00010; ExAC 0.00031.

Submissions (4):

Labcorp Genetics (formerly Invitae), Labcorp
Classification: Likely benign for Congenital myotonia, autosomal recessive form; Congenital myotonia, autosomal dominant form. Last evaluated: 2025-12-21. Review status: criteria provided, single submitter. Criteria: Invitae Variant Classification Sherloc (09022015). Collection method: clinical testing. Allele origin: germline.

Revvity Omics, Revvity
Classification: Uncertain significance. Last evaluated: 2022-12-22. Review status: criteria provided, single submitter. Criteria: ACMG Guidelines, 2015. Collection method: clinical testing. Allele origin: germline.

Athena Diagnostics
Classification: Uncertain significance. Last evaluated: 2017-06-27. Review status: criteria provided, single submitter. Criteria: Athena Diagnostics Criteria. Collection method: clinical testing. Allele origin: germline.

GeneDx
Classification: Uncertain significance. Last evaluated: 2016-10-20. Review status: criteria provided, single submitter. Criteria: GeneDx Variant Classification (06012015). Collection method: clinical testing. Allele origin: germline. Affected: yes.
Comment: The c.2062_2063insTTC variant has not been published as a pathogenic variant, nor has it been reported as a benign variant to our knowledge. It was not observed with any significant frequency in the Exome Aggregation Consortium (ExAC) data set, indicating it is not a benign variant in these populations. The c.2062_2063insTTC variant results in the replacement of a Glycine residue with a Valine residue, and the insertion of a single Arginine residue, denoted p.Gly688delinsValR. In-silico analysis predicts this variant does not affect gene splicing.